The following is an entry in ClinVar:

ClinVar aggregate classification (germline): Uncertain significance. Review status: criteria provided, multiple submitters, no conflicts (2 of 4 stars). 3 submissions from 3 submitters: Uncertain significance (3). Last evaluated 2025-04-21.

Conditions:
Hereditary cancer-predisposing syndrome. Also called: Hereditary neoplastic syndrome; Neoplastic Syndromes, Hereditary; Hereditary Cancer Syndrome; Tumor predisposition. Identifiers: Orphanet 140162, MedGen C0027672, MeSH D009386, MONDO:0015356.

Allele frequency attached by ClinVar (database versions not stated): ExAC 0.00001; gnomAD 0.00001; gnomAD exomes 0.00001; TOPMed 0.00001.
gnomAD v4.1: 18 of 1,606,932 alleles (0.0011%); highest among the groups gnomAD compares: African/African-American, 0.0027%; no homozygotes.

Submissions (3):

Color Diagnostics, LLC DBA Color Health
Classification: Uncertain significance for Hereditary cancer-predisposing syndrome. Last evaluated: 2025-04-21. Review status: criteria provided, single submitter. Criteria: ACMG Guidelines, 2015. Collection method: clinical testing. Allele origin: germline.
Comment: This variant is located in the 5' untranslated region of the BAP1 gene. To our knowledge, functional studies have not been reported for this variant. This variant has not been reported in individuals affected with hereditary cancer in the literature. This variant has been identified in 2/240600 chromosomes in the general population by the Genome Aggregation Database (gnomAD). The available evidence is insufficient to determine the role of this variant in disease conclusively. Therefore, this variant is classified as a Variant of Uncertain Significance.

CeGaT Center for Human Genetics Tuebingen
Classification: Uncertain significance. Last evaluated: 2021-03-01. Review status: criteria provided, single submitter. Criteria: CeGaT Center For Human Genetics Tuebingen Variant Classification Criteria Version 2. Collection method: clinical testing. Allele origin: germline. Affected: yes. Observed: 1 variant allele.

GeneDx
Classification: Uncertain significance. Last evaluated: 2019-08-12. Review status: criteria provided, single submitter. Criteria: GeneDx Variant Classification Process June 2021. Collection method: clinical testing. Allele origin: germline. Affected: yes.
Comment: Describes a nucleotide substitution 6 base pairs upstream of the ATG translational start site of the BAP1 gene, occurring in the Kozak sequence, the conserved nucleotides just upstream of the ATG start codon, which play a major role in the initiation of translation; Not observed at a significant frequency in large population cohorts (Lek 2016); Has not been previously published as pathogenic or benign to our knowledge

NM_004656.4(BAP1):c.-6G>A

Gene: BAP1 (BRCA1 associated deubiquitinase 1; minus strand). Cytogenetic location: 3p21.1.
Variant type: single nucleotide variant.
Coding change: c.-6G>A on transcript NM_004656.4 (MANE Select); 6 bases upstream of the start codon, G replaced by A.
Molecular consequence: 5 prime UTR variant.
Genome position (GRCh38, 1-based): chr3:52,409,884, C>T on the plus strand (G>A on the coding strand, the complement: BAP1 is on the minus strand). VCF-style: chr3-52409884-C-T. GRCh37 (hg19) VCF-style: chr3-52443900-C-T.
Identifiers: ClinVar variation 490762 (VCV000490762.45), dbSNP rs758722091, ClinGen allele CA2437265.